The following is an entry in ClinVar:

NM_000051.4(ATM):c.9082G>A (p.Val3028Ile)

Genes: ATM (ATM serine/threonine kinase; plus strand), C11orf65 (chromosome 11 open reading frame 65; minus strand). Cytogenetic location: 11q22.3.
Variant type: single nucleotide variant.
Coding change: c.9082G>A on transcript NM_000051.4 (MANE Select); coding-DNA position 9082, G replaced by A.
Protein change: p.Val3028Ile; replaces valine 3028 with isoleucine.
Molecular consequence: missense variant. On other transcripts: intron variant (2).
Genome position (GRCh38, 1-based): chr11:108,365,419, G>A. VCF-style: chr11-108365419-G-A. GRCh37 (hg19) VCF-style: chr11-108236146-G-A.
Other names: c.9082G>A, p.Val3028Ile (NM_001351834.2); c.640+20501C>T (NM_001330368.2); c.694+20501C>T (NM_001351110.2); short protein forms V3028I.
Identifiers: ClinVar variation 233192 (VCV000233192.11), dbSNP rs876660251, ClinGen allele CA10579340.

ClinVar aggregate classification (germline): Uncertain significance. Review status: criteria provided, multiple submitters, no conflicts (2 of 4 stars). 2 submissions from 2 submitters: Uncertain significance (2). Last evaluated 2025-03-31.

Conditions:
Hereditary cancer-predisposing syndrome. Also called: Neoplastic Syndromes, Hereditary; Hereditary neoplastic syndrome; Tumor predisposition; Hereditary Cancer Syndrome. Identifiers: Orphanet 140162, MedGen C0027672, MeSH D009386, MONDO:0015356.
Ataxia-telangiectasia syndrome (AT). Also called: Ataxia telangiectasia (A-T); Cerebello-oculocutaneous telangiectasia; Immunodeficiency with ataxia telangiectasia; LOUIS-BAR SYNDROME; AT, COMPLEMENTATION GROUP C; ATAXIA-TELANGIECTASIA, FRESNO VARIANT. Identifiers: Orphanet 100, MedGen C0004135, MONDO:0008840, OMIM 208900.

Submissions (2):

Labcorp Genetics (formerly Invitae), Labcorp
Classification: Uncertain significance for Ataxia-telangiectasia syndrome. Last evaluated: 2025-03-31. Review status: criteria provided, single submitter. Criteria: Invitae Variant Classification Sherloc (09022015). Collection method: clinical testing. Allele origin: germline.
Comment: This sequence change replaces valine, which is neutral and non-polar, with isoleucine, which is neutral and non-polar, at codon 3028 of the ATM protein (p.Val3028Ile). This variant is not present in population databases (gnomAD no frequency). This variant has not been reported in the literature in individuals affected with ATM-related conditions. ClinVar contains an entry for this variant (Variation ID: 233192). Invitae Evidence Modeling of protein sequence and biophysical properties (such as structural, functional, and spatial information, amino acid conservation, physicochemical variation, residue mobility, and thermodynamic stability) has been performed for this missense variant. However, the output from this modeling did not meet the statistical confidence thresholds required to predict the impact of this variant on ATM protein function. In summary, the available evidence is currently insufficient to determine the role of this variant in disease. Therefore, it has been classified as a Variant of Uncertain Significance.

Ambry Genetics
Classification: Uncertain significance for Hereditary cancer-predisposing syndrome. Last evaluated: 2022-05-02. Review status: criteria provided, single submitter. Criteria: Ambry Variant Classification Scheme 2023. Collection method: clinical testing. Allele origin: germline.
Comment: The p.V3028I variant (also known as c.9082G>A), located in coding exon 62 of the ATM gene, results from a G to A substitution at nucleotide position 9082. The valine at codon 3028 is replaced by isoleucine, an amino acid with highly similar properties. This amino acid position is highly conserved in available vertebrate species. In addition, the in silico prediction for this alteration is inconclusive. Since supporting evidence is limited at this time, the clinical significance of this alteration remains unclear.